The following is an entry in ClinVar:

ClinVar aggregate classification (germline): Uncertain significance (1 of 4 stars; one submission).

Submission:

GeneDx
Classification: Uncertain significance. Last evaluated: 2023-06-14. Review status: criteria provided, single submitter. Criteria: GeneDx Variant Classification Process June 2021. Collection method: clinical testing. Allele origin: germline. Affected: yes.
Comment: Not observed at significant frequency in large population cohorts (gnomAD); In silico analysis supports that this missense variant does not alter protein structure/function; Has not been previously published as pathogenic or benign to our knowledge

NM_001127222.2(CACNA1A):c.3467C>T (p.Ser1156Leu)

Gene: CACNA1A (calcium voltage-gated channel subunit alpha1 A; minus strand). Cytogenetic location: 19p13.13.
Variant type: single nucleotide variant.
Coding change: c.3467C>T on transcript NM_001127222.2 (MANE Select); coding-DNA position 3467, C replaced by T.
Protein change: p.Ser1156Leu; replaces serine 1156 with leucine.
Molecular consequence: missense variant.
Genome position (GRCh38, 1-based): chr19:13,286,589, G>A on the plus strand (C>T on the coding strand, the complement: CACNA1A is on the minus strand). VCF-style: chr19-13286589-G-A. GRCh37 (hg19) VCF-style: chr19-13397403-G-A.
Other names: c.3479C>T, p.Ser1160Leu (NM_000068.4, NM_023035.3); c.3470C>T, p.Ser1157Leu (NM_001127221.2, NM_001174080.2); short protein forms S1156L, S1157L, S1160L.
Identifiers: ClinVar variation 3253260 (VCV003253260.1), dbSNP rs2144887380.